The following is an entry in ClinVar:

NM_005219.5(DIAPH1):c.2447C>A (p.Thr816Asn)

Gene: DIAPH1 (diaphanous related formin 1; minus strand). Cytogenetic location: 5q31.3.
Variant type: single nucleotide variant.
Coding change: c.2447C>A on transcript NM_005219.5 (MANE Select); coding-DNA position 2447, C replaced by A.
Protein change: p.Thr816Asn; replaces threonine 816 with asparagine.
Molecular consequence: missense variant.
Genome position (GRCh38, 1-based): chr5:141,571,952, G>T on the plus strand (C>A on the coding strand, the complement: DIAPH1 is on the minus strand). VCF-style: chr5-141571952-G-T. GRCh37 (hg19) VCF-style: chr5-140951519-G-T.
Other names: c.2420C>A, p.Thr807Asn (NM_001079812.3); c.2447C>A, p.Thr816Asn (NM_001314007.2); short protein forms T816N, T807N.
Identifiers: ClinVar variation 2926873 (VCV002926873.3), dbSNP rs1247069457, ClinGen allele CA361512926.

ClinVar aggregate classification (germline): Uncertain significance (1 of 4 stars; one submission).

Conditions:
Autosomal dominant nonsyndromic hearing loss 1. Also called: KONIGSMARK SYNDROME; DEAFNESS, AUTOSOMAL DOMINANT 1, WITH OR WITHOUT THROMBOCYTOPENIA. Identifiers: Orphanet 90635, MedGen C1852282, MONDO:0007424, OMIM 124900.
Progressive microcephaly-seizures-cortical blindness-developmental delay syndrome. Also called: Seizures, cortical blindness, and microcephaly syndrome. Identifiers: Orphanet 477814, MedGen C5567650, MONDO:0014714, OMIM 616632.

gnomAD v4.1: 1 of 1,614,074 alleles (0.000062%); no homozygotes.

Submission:

Labcorp Genetics (formerly Invitae), Labcorp
Classification: Uncertain significance for Progressive microcephaly-seizures-cortical blindness-developmental delay syndrome; Autosomal dominant nonsyndromic hearing loss 1. Last evaluated: 2023-06-14. Review status: criteria provided, single submitter. Criteria: Invitae Variant Classification Sherloc (09022015). Collection method: clinical testing. Allele origin: germline.
Comment: In summary, the available evidence is currently insufficient to determine the role of this variant in disease. Therefore, it has been classified as a Variant of Uncertain Significance. An algorithm developed to predict the effect of missense changes on protein structure and function (PolyPhen-2) suggests that this variant is likely to be disruptive. This variant has not been reported in the literature in individuals affected with DIAPH1-related conditions. This variant is not present in population databases (gnomAD no frequency). This sequence change replaces threonine, which is neutral and polar, with asparagine, which is neutral and polar, at codon 816 of the DIAPH1 protein (p.Thr816Asn).